The following is an entry in ClinVar:

NM_001077706.3(ECT2L):c.1739A>G (p.Lys580Arg)

Gene: ECT2L (epithelial cell transforming 2 like; plus strand). Cytogenetic location: 6q24.1.
Variant type: single nucleotide variant.
Coding change: c.1739A>G on transcript NM_001077706.3 (MANE Select); coding-DNA position 1739, A replaced by G.
Protein change: p.Lys580Arg; replaces lysine 580 with arginine.
Molecular consequence: missense variant.
Genome position (GRCh38, 1-based): chr6:138,881,030, A>G. VCF-style: chr6-138881030-A-G. GRCh37 (hg19) VCF-style: chr6-139202167-A-G.
Other names: c.1739A>G, p.Lys580Arg (NM_001195037.2); short protein forms K580R.
Identifiers: ClinVar variation 133993 (VCV000133993.1), dbSNP rs587778240, ClinGen allele CA158359.

ClinVar aggregate classification (germline): not provided (0 of 4 stars; one submission).

Allele frequency attached by ClinVar (database versions not stated): gnomAD exomes 0.00002; ExAC 0.00003.
gnomAD v4.1: 21 of 1,614,166 alleles (0.0013%); highest among the groups gnomAD compares: South Asian, 0.021%; no homozygotes.

Submission:

ITMI
No classification provided. Condition: AllHighlyPenetrant. Last evaluated: 2013-09-19. Review status: no classification provided. Collection method: reference population. Allele origin: germline.
Comment: Please see associated publication for description of ethnicities

Literature cited by the submitters: PubMed 24728327.